The following is an entry in ClinVar:

ClinVar aggregate classification (germline): Uncertain significance. Review status: criteria provided, multiple submitters, no conflicts (2 of 4 stars). 2 submissions from 2 submitters: Uncertain significance (2). Last evaluated 2024-01-15.

Allele frequency attached by ClinVar (database versions not stated): TOPMed 0.00001; gnomAD exomes 0.00002; ExAC 0.00003.
gnomAD v4.1: 2 of 1,613,820 alleles (0.00012%); highest among the groups gnomAD compares: Admixed American, 0.0033%; no homozygotes.

Submissions (2):

Labcorp Genetics (formerly Invitae), Labcorp
Classification: Uncertain significance. Last evaluated: 2024-01-15. Review status: criteria provided, single submitter. Criteria: Invitae Variant Classification Sherloc (09022015). Collection method: clinical testing. Allele origin: germline.
Comment: This sequence change replaces serine, which is neutral and polar, with phenylalanine, which is neutral and non-polar, at codon 954 of the CEP135 protein (p.Ser954Phe). This variant is present in population databases (rs764745466, gnomAD 0.01%). This variant has not been reported in the literature in individuals affected with CEP135-related conditions. ClinVar contains an entry for this variant (Variation ID: 1305236). An algorithm developed to predict the effect of missense changes on protein structure and function (PolyPhen-2) suggests that this variant is likely to be disruptive. In summary, the available evidence is currently insufficient to determine the role of this variant in disease. Therefore, it has been classified as a Variant of Uncertain Significance.

GeneDx
Classification: Uncertain significance. Last evaluated: 2019-05-13. Review status: criteria provided, single submitter. Criteria: GeneDx Variant Classification Process June 2021. Collection method: clinical testing. Allele origin: germline. Affected: yes.
Comment: Not observed at a significant frequency in large population cohorts (Lek et al., 2016); In silico analysis, which includes protein predictors and evolutionary conservation, supports a deleterious effect; Has not been previously published as pathogenic or benign to our knowledge

NM_025009.5(CEP135):c.2861C>T (p.Ser954Phe)

Gene: CEP135 (centrosomal protein 135; plus strand). Cytogenetic location: 4q12.
Variant type: single nucleotide variant.
Coding change: c.2861C>T on transcript NM_025009.5 (MANE Select); coding-DNA position 2861, C replaced by T.
Protein change: p.Ser954Phe; replaces serine 954 with phenylalanine.
Molecular consequence: missense variant.
Genome position (GRCh38, 1-based): chr4:56,017,706, C>T. VCF-style: chr4-56017706-C-T. GRCh37 (hg19) VCF-style: chr4-56883872-C-T.
Other names: short protein forms S954F.
Identifiers: ClinVar variation 1305236 (VCV001305236.5), dbSNP rs764745466, ClinGen allele CA2928275.